The following is an entry in ClinVar:

ClinVar aggregate classification (germline): Uncertain significance. Review status: criteria provided, multiple submitters, no conflicts (2 of 4 stars). 3 submissions from 3 submitters: Uncertain significance (3). Last evaluated 2024-11-18.

Conditions:
Benign neonatal seizures. Also called: Benign familial neonatal seizures; Benign neonatal familial convulsions; Benign familial neonatal epilepsy; Convulsions benign familial neonatal dominant form; Autosomal dominant form of benign neonatal seizures. Identifiers: Orphanet 1949, MedGen C0220669, MONDO:0016027.

Allele frequency attached by ClinVar (database versions not stated): 1000 Genomes Project 30x 0.00031; gnomAD exomes 0.00003 and 0.00002; ExAC 0.00004; gnomAD 0.00001; TOPMed 0.00001; 1000 Genomes Project 0.00020.
gnomAD v4.1: 35 of 1,614,232 alleles (0.0022%); highest among the groups gnomAD compares: South Asian, 0.036%; 1 homozygote.

Submissions (3):

Labcorp Genetics (formerly Invitae), Labcorp
Classification: Uncertain significance for Benign neonatal seizures. Last evaluated: 2024-11-18. Review status: criteria provided, single submitter. Criteria: Invitae Variant Classification Sherloc (09022015). Collection method: clinical testing. Allele origin: germline.
Comment: This sequence change replaces aspartic acid, which is acidic and polar, with tyrosine, which is neutral and polar, at codon 815 of the KCNQ3 protein (p.Asp815Tyr). This variant is present in population databases (rs530506549, gnomAD 0.02%). This variant has not been reported in the literature in individuals affected with KCNQ3-related conditions. ClinVar contains an entry for this variant (Variation ID: 205994). Invitae Evidence Modeling of protein sequence and biophysical properties (such as structural, functional, and spatial information, amino acid conservation, physicochemical variation, residue mobility, and thermodynamic stability) indicates that this missense variant is not expected to disrupt KCNQ3 protein function with a negative predictive value of 95%. In summary, the available evidence is currently insufficient to determine the role of this variant in disease. Therefore, it has been classified as a Variant of Uncertain Significance.

Women's Health and Genetics/Laboratory Corporation of America, LabCorp
Classification: Uncertain significance. Last evaluated: 2022-04-08. Review status: criteria provided, single submitter. Criteria: LabCorp Variant Classification Summary - May 2015. Collection method: clinical testing. Allele origin: germline.
Comment: Variant summary: KCNQ3 c.2443G>T (p.Asp815Tyr) results in a non-conservative amino acid change in the encoded protein sequence. Four of five in-silico tools predict a damaging effect of the variant on protein function. The variant allele was found at a frequency of 3.2e-05 in 251294 control chromosomes (gnomAD). The available data on variant occurrences in the general population are insufficient to allow any conclusion about variant significance. To our knowledge, no occurrence of c.2443G>T in individuals affected with Benign Familial Neonatal Seizures 2 and no experimental evidence demonstrating its impact on protein function have been reported. A ClinVar submitter (evaluation after 2014) cites the variant as uncertain significance. Based on the evidence outlined above, the variant was classified as uncertain significance.

GeneDx
Classification: Uncertain significance. Last evaluated: 2012-08-31. Review status: criteria provided, single submitter. Criteria: GeneDx Variant Classification (06012015). Collection method: clinical testing. Allele origin: germline. Affected: yes.
Comment: p.Asp815Tyr (GAT>TAT):c.2443 G>T in exon 15 of the KCNQ3 gene (NM_004519.2) The Asp815Tyr missense change has not been published as a mutation, nor has it been reported as a benign polymorphism to our knowledge. The NHLBI ESP Exome Variant Project has not identified Asp815Tyr in approximately 6,500 individuals of European or African American ethnicity, indicating that it is not a common benign variant in these populations. This amino acid substitution is non-conservative, as a negatively charged Aspartic acid residue is replaced by a uncharged Tyrosine residue. Asp815Tyr alters a conserved position in the C-terminal region of the protein, and multiple in silico algorithms predict it is damaging to the structure and/or function of the KCNQ3 protein. However, to our knowledge other missense mutations have not been previously reported near Asp815Tyr. Therefore, based on the currently available information, it is unclear whether Asp815Tyr is a disease-causing mutation or a rare benign variant. The variant is found in INFANT-EPI panel(s).

NM_004519.4(KCNQ3):c.2443G>T (p.Asp815Tyr)

Gene: KCNQ3 (potassium voltage-gated channel subfamily Q member 3; minus strand). Cytogenetic location: 8q24.22.
Variant type: single nucleotide variant.
Coding change: c.2443G>T on transcript NM_004519.4 (MANE Select); coding-DNA position 2443, G replaced by T.
Protein change: p.Asp815Tyr; replaces aspartic acid 815 with tyrosine.
Molecular consequence: missense variant.
Genome position (GRCh38, 1-based): chr8:132,129,438, C>A on the plus strand (G>T on the coding strand, the complement: KCNQ3 is on the minus strand). VCF-style: chr8-132129438-C-A. GRCh37 (hg19) VCF-style: chr8-133141685-C-A.
Other names: p.D815Y:GAT>TAT; c.2083G>T, p.Asp695Tyr (NM_001204824.2); short protein forms D815Y, D695Y.
Identifiers: ClinVar variation 205994 (VCV000205994.11), dbSNP rs530506549, ClinGen allele CA315654.